The following is an entry in ClinVar:

ClinVar aggregate classification (germline): Benign. Review status: criteria provided, multiple submitters, no conflicts (2 of 4 stars). 2 submissions from 2 submitters: Benign (2). Last evaluated 2018-06-16.

Allele frequency attached by ClinVar (database versions not stated): 1000 Genomes Project 0.07308; 1000 Genomes Project 30x 0.07761; gnomAD 0.08054 and 0.08432; TOPMed 0.08691.
gnomAD v4.1: 12,357 of 152,218 alleles (8.1%); highest among the groups gnomAD compares: African/African-American, 16%; 717 homozygotes.

Submissions (2):

GeneDx
Classification: Benign. Last evaluated: 2018-06-16. Review status: criteria provided, single submitter. Criteria: GeneDx Variant Classification (06012015). Collection method: clinical testing. Allele origin: germline. Affected: yes.
Comment: This variant is considered likely benign or benign based on one or more of the following criteria: it is a conservative change, it occurs at a poorly conserved position in the protein, it is predicted to be benign by multiple in silico algorithms, and/or has population frequency not consistent with disease.

Breakthrough Genomics
Classification: Benign. Review status: criteria provided, single submitter. Criteria: ACMG Guidelines, 2015. Collection method: not provided. Allele origin: germline. Inheritance: Autosomal recessive inheritance. Affected: yes.

NM_015662.3(IFT172):c.3372-251G>A

Gene: IFT172 (intraflagellar transport 172; minus strand). Cytogenetic location: 2p23.3.
Variant type: single nucleotide variant.
Coding change: c.3372-251G>A on transcript NM_015662.3 (MANE Select); 251 bases into the intron before coding-DNA position 3372, G replaced by A.
Molecular consequence: intron variant.
Genome position (GRCh38, 1-based): chr2:27,454,911, C>T on the plus strand (G>A on the coding strand, the complement: IFT172 is on the minus strand). VCF-style: chr2-27454911-C-T. GRCh37 (hg19) VCF-style: chr2-27677778-C-T.
Identifiers: ClinVar variation 683621 (VCV000683621.2), dbSNP rs6734392, ClinGen allele CA44491255.
Genomic context (GRCh38, chr2:27,454,911, plus strand): 5'-CACTGTCAGCGTGGATCAAGAGACGTCTGGAAAAGCCTATGCCTTCCCTGAGGCCAGCTG[C>T]TCCTGAGGAATTAGTTTGGGCCTGCGAAGGGGAAGGGAGGAGTGAGCCTCGCAGCCCTAC-3'